The following is an entry in ClinVar:

ClinVar aggregate classification (germline): Uncertain significance (1 of 4 stars; one submission).

Conditions:
Ullrich congenital muscular dystrophy 2 (UCMD2). Identifiers: Orphanet 75840, MedGen C4225314, MONDO:0014654, OMIM 616470.
Bethlem myopathy 2 (BTHLM2). Identifiers: Orphanet 536516, Orphanet 610, MedGen C4225313, MONDO:0034022, OMIM 616471.

Allele frequency attached by ClinVar (database versions not stated): gnomAD exomes below 0.00001.
gnomAD v4.1: 1 of 1,613,524 alleles (0.000062%); highest among the groups gnomAD compares: South Asian, 0.0011%; no homozygotes.

Submission:

Labcorp Genetics (formerly Invitae), Labcorp
Classification: Uncertain significance for Bethlem myopathy 2; Ullrich congenital muscular dystrophy 2. Last evaluated: 2023-07-07. Review status: criteria provided, single submitter. Criteria: Invitae Variant Classification Sherloc (09022015). Collection method: clinical testing. Allele origin: germline.
Comment: In summary, the available evidence is currently insufficient to determine the role of this variant in disease. Therefore, it has been classified as a Variant of Uncertain Significance. Advanced modeling of protein sequence and biophysical properties (such as structural, functional, and spatial information, amino acid conservation, physicochemical variation, residue mobility, and thermodynamic stability) performed at Invitae indicates that this missense variant is not expected to disrupt COL12A1 protein function. ClinVar contains an entry for this variant (Variation ID: 1046079). This variant has not been reported in the literature in individuals affected with COL12A1-related conditions. This variant is not present in population databases (gnomAD no frequency). This sequence change replaces proline, which is neutral and non-polar, with arginine, which is basic and polar, at codon 2733 of the COL12A1 protein (p.Pro2733Arg).

NM_004370.6(COL12A1):c.8198C>G (p.Pro2733Arg)

Gene: COL12A1 (collagen type XII alpha 1 chain; minus strand). Cytogenetic location: 6q13.
Variant type: single nucleotide variant.
Coding change: c.8198C>G on transcript NM_004370.6 (MANE Select); coding-DNA position 8198, C replaced by G.
Protein change: p.Pro2733Arg; replaces proline 2733 with arginine.
Molecular consequence: missense variant.
Genome position (GRCh38, 1-based): chr6:75,105,273, G>C on the plus strand (C>G on the coding strand, the complement: COL12A1 is on the minus strand). VCF-style: chr6-75105273-G-C. GRCh37 (hg19) VCF-style: chr6-75814989-G-C.
Other names: c.4706C>G, p.Pro1569Arg (NM_080645.3); short protein forms P2733R, P1569R.
Identifiers: ClinVar variation 1046079 (VCV001046079.9), dbSNP rs1768494060, ClinGen allele CA364740652.